The following is an entry in ClinVar:

NM_032119.4(ADGRV1):c.18182T>C (p.Leu6061Ser)

Gene: ADGRV1 (adhesion G protein-coupled receptor V1; plus strand). Cytogenetic location: 5q14.3.
Variant type: single nucleotide variant.
Coding change: c.18182T>C on transcript NM_032119.4 (MANE Select); coding-DNA position 18182, T replaced by C.
Protein change: p.Leu6061Ser; replaces leucine 6061 with serine.
Molecular consequence: missense variant. On other transcripts: non-coding transcript variant (1).
Genome position (GRCh38, 1-based): chr5:91,072,476, T>C. VCF-style: chr5-91072476-T-C. GRCh37 (hg19) VCF-style: chr5-90368293-T-C.
Other names: short protein forms L6061S.
Identifiers: ClinVar variation 1960463 (VCV001960463.3), dbSNP rs1174964052, ClinGen allele CA360431689.
Genomic context (GRCh38, chr5:91,072,476, plus strand): 5'-TCTGAGTTACTTCTTCTCATTTCTCTTCCAGGTGTTTTATTCCAAACGTCTATGCTGCTT[T>C]GTTCACTGCAGCTCTTGTTCCTTTGACGTGCCTCGTGGTGGTGTTCGTGGTGTTCATCCA-3'
Protein context (NP_115495.3, residues 6051-6071): LCFIPNVYAA[Leu6061Ser]FTAALVPLTC

ClinVar aggregate classification (germline): Uncertain significance. Review status: criteria provided, multiple submitters, no conflicts (2 of 4 stars). 2 submissions from 2 submitters: Uncertain significance (2). Last evaluated 2022-08-24.

Allele frequency attached by ClinVar (database versions not stated): TOPMed below 0.00001.

Submissions (2):

Blueprint Genetics
Classification: Uncertain significance. Last evaluated: 2022-08-24. Review status: criteria provided, single submitter. Criteria: ACMG Guidelines, 2015. Collection method: clinical testing. Allele origin: germline.

Labcorp Genetics (formerly Invitae), Labcorp
Classification: Uncertain significance. Last evaluated: 2022-05-17. Review status: criteria provided, single submitter. Criteria: Invitae Variant Classification Sherloc (09022015). Collection method: clinical testing. Allele origin: germline.
Comment: This sequence change replaces leucine, which is neutral and non-polar, with serine, which is neutral and polar, at codon 6061 of the ADGRV1 protein (p.Leu6061Ser). This variant is not present in population databases (gnomAD no frequency). This variant has not been reported in the literature in individuals affected with ADGRV1-related conditions. Algorithms developed to predict the effect of missense changes on protein structure and function are either unavailable or do not agree on the potential impact of this missense change (SIFT: "Deleterious"; PolyPhen-2: "Probably Damaging"; Align-GVGD: "Class C0"). In summary, the available evidence is currently insufficient to determine the role of this variant in disease. Therefore, it has been classified as a Variant of Uncertain Significance.